The following is an entry in ClinVar:

NM_001378454.1(ALMS1):c.1910del (p.Pro637fs)

Gene: ALMS1 (ALMS1 centrosome and basal body associated protein; plus strand). Cytogenetic location: 2p13.1.
Variant type: Deletion.
Coding change: c.1910del on transcript NM_001378454.1 (MANE Select); coding-DNA position 1910, one base deleted (C; older notation c.1910delC).
Protein change: p.Pro637fs; shifts the reading frame from proline 637.
Molecular consequence: frameshift variant.
Genome position (GRCh38, 1-based): chr2:73,448,437, C deleted; the last of 2 consecutive C bases (chr2:73,448,436-73,448,437); deleting either gives the same sequence. VCF-style (leftmost placement, unchanged base first): chr2-73448435-AC-A. GRCh37 (hg19) VCF-style: chr2-73675562-AC-A.
Other names: c.1913del, p.Pro638fs (NM_015120.4); short protein forms P637fs, P638fs.
Identifiers: ClinVar variation 1069142 (VCV001069142.7), dbSNP rs2103772743, ClinGen allele CA2499216238.

ClinVar aggregate classification (germline): Pathogenic (1 of 4 stars; one submission).

Conditions:
Alstrom syndrome (ALMS). Identifiers: Orphanet 64, MedGen C0268425, MONDO:0008763, OMIM 203800.

Submission:

Labcorp Genetics (formerly Invitae), Labcorp
Classification: Pathogenic for Alstrom syndrome. Last evaluated: 2020-10-07. Review status: criteria provided, single submitter. Criteria: Invitae Variant Classification Sherloc (09022015). Collection method: clinical testing. Allele origin: germline.
Comment: Loss-of-function variants in ALMS1 are known to be pathogenic (PMID: 17594715). For these reasons, this variant has been classified as Pathogenic. This variant has not been reported in the literature in individuals with ALMS1-related conditions. This variant is not present in population databases (ExAC no frequency). This sequence change creates a premature translational stop signal (p.Pro638Glnfs*5) in the ALMS1 gene. It is expected to result in an absent or disrupted protein product.

Literature cited by the submitters: PubMed 17594715.